The following is an entry in ClinVar:

NM_000181.4(GUSB):c.553A>C (p.Thr185Pro)

Gene: GUSB (glucuronidase beta; minus strand). Cytogenetic location: 7q11.21.
Variant type: single nucleotide variant.
Coding change: c.553A>C on transcript NM_000181.4 (MANE Select); coding-DNA position 553, A replaced by C.
Protein change: p.Thr185Pro; replaces threonine 185 with proline.
Molecular consequence: missense variant. On other transcripts: intron variant (3), non-coding transcript variant (1).
Genome position (GRCh38, 1-based): chr7:65,979,755, T>G on the plus strand (A>C on the coding strand, the complement: GUSB is on the minus strand). VCF-style: chr7-65979755-T-G. GRCh37 (hg19) VCF-style: chr7-65444742-T-G.
Other names: c.474+79A>C (NM_001284290.2); c.67+469A>C (NM_001293105.2); c.12-214A>C (NM_001293104.2); short protein forms T185P.
Identifiers: ClinVar variation 1374169 (VCV001374169.8), dbSNP rs755465262, ClinGen allele CA4276611.

ClinVar aggregate classification (germline): Uncertain significance (1 of 4 stars; one submission).

Conditions:
Mucopolysaccharidosis type 7 (MPS7). Also called: BETA-GLUCURONIDASE DEFICIENCY; SLY SYNDROME; GUSB DEFICIENCY; MPS VII. Identifiers: Orphanet 584, MedGen C0085132, MONDO:0009662, OMIM 253220.

Allele frequency attached by ClinVar (database versions not stated): gnomAD 0.00002; TOPMed 0.00002; ExAC 0.00009.

Submission:

Labcorp Genetics (formerly Invitae), Labcorp
Classification: Uncertain significance for Mucopolysaccharidosis type 7. Last evaluated: 2021-02-19. Review status: criteria provided, single submitter. Criteria: Invitae Variant Classification Sherloc (09022015). Collection method: clinical testing. Allele origin: germline.
Comment: In summary, the available evidence is currently insufficient to determine the role of this variant in disease. Therefore, it has been classified as a Variant of Uncertain Significance. Algorithms developed to predict the effect of missense changes on protein structure and function (SIFT, PolyPhen-2, Align-GVGD) all suggest that this variant is likely to be tolerated, but these predictions have not been confirmed by published functional studies and their clinical significance is uncertain. This variant has not been reported in the literature in individuals with GUSB-related conditions. The frequency data for this variant in the population databases is considered unreliable, as metrics indicate poor data quality at this position in the ExAC database. This sequence change replaces threonine with proline at codon 185 of the GUSB protein (p.Thr185Pro). The threonine residue is moderately conserved and there is a small physicochemical difference between threonine and proline.